The following is an entry in ClinVar:

ClinVar aggregate classification (germline): Uncertain significance (1 of 4 stars; one submission).

Conditions:
Inborn genetic diseases. Identifiers: MedGen C0950123, MeSH D030342.

Submission:

Ambry Genetics
Classification: Uncertain significance for Inborn genetic diseases. Last evaluated: 2025-12-22. Review status: criteria provided, single submitter. Criteria: Ambry Variant Classification Scheme 2023. Collection method: clinical testing. Allele origin: germline.
Comment: The p.A74G variant (also known as c.221C>G), located in coding exon 2 of the SBDS gene, results from a C to G substitution at nucleotide position 221. The alanine at codon 74 is replaced by glycine, an amino acid with similar properties. This amino acid position is conserved. In addition, the in silico prediction for this alteration is inconclusive. Based on the available evidence, the clinical significance of this variant remains unclear.

NM_016038.4(SBDS):c.221C>G (p.Ala74Gly)

Gene: SBDS (SBDS ribosome maturation factor; minus strand). Cytogenetic location: 7q11.21.
Variant type: single nucleotide variant.
Coding change: c.221C>G on transcript NM_016038.4 (MANE Select); coding-DNA position 221, C replaced by G.
Protein change: p.Ala74Gly; replaces alanine 74 with glycine.
Molecular consequence: missense variant.
Genome position (GRCh38, 1-based): chr7:66,994,249, G>C on the plus strand (C>G on the coding strand, the complement: SBDS is on the minus strand). VCF-style: chr7-66994249-G-C. GRCh37 (hg19) VCF-style: chr7-66459236-G-C.
Other names: short protein forms A74G.
Identifiers: ClinVar variation 4843097 (VCV004843097.1).